The following is an entry in ClinVar:

NM_032380.5(GFM2):c.-26A>C

Genes: GFM2 (GTP dependent ribosome recycling factor mitochondrial 2; minus strand), LOC129994063 (ATAC-STARR-seq lymphoblastoid active region 22675; plus strand). Cytogenetic location: 5q13.3.
Variant type: single nucleotide variant.
Coding change: c.-26A>C on transcript NM_032380.5 (MANE Select); 26 bases upstream of the start codon, A replaced by C.
Molecular consequence: 5 prime UTR variant. On other transcripts: non-coding transcript variant (1).
Genome position (GRCh38, 1-based): chr5:74,766,939, T>G on the plus strand (A>C on the coding strand, the complement: GFM2 is on the minus strand). VCF-style: chr5-74766939-T-G. GRCh37 (hg19) VCF-style: chr5-74062764-T-G.
Other names: c.-48A>C (NM_001281302.2); c.-26A>C (NM_170681.3, NM_170691.3).
Identifiers: ClinVar variation 508520 (VCV000508520.1), dbSNP rs369299315, ClinGen allele CA120907764.

ClinVar aggregate classification (germline): Likely benign (1 of 4 stars; one submission).

Allele frequency attached by ClinVar (database versions not stated): gnomAD exomes 0.00004; gnomAD 0.00012 and 0.00013; TOPMed 0.00028; 1000 Genomes Project 0.00060; 1000 Genomes Project 30x 0.00062.
gnomAD v4.1: 21 of 176,996 alleles (0.012%); highest among the groups gnomAD compares: East Asian, 0.19%; no homozygotes.

Submission:

GeneDx
Classification: Likely benign. Last evaluated: 2018-01-30. Review status: criteria provided, single submitter. Criteria: GeneDx Variant Classification (06012015). Collection method: clinical testing. Allele origin: germline. Affected: yes.
Comment: This variant is considered likely benign or benign based on one or more of the following criteria: it is a conservative change, it occurs at a poorly conserved position in the protein, it is predicted to be benign by multiple in silico algorithms, and/or has population frequency not consistent with disease.